The following is an entry in ClinVar:

NM_000287.4(PEX6):c.2663G>C (p.Arg888Pro)

Gene: PEX6 (peroxisomal biogenesis factor 6; minus strand). Cytogenetic location: 6p21.1.
Variant type: single nucleotide variant.
Coding change: c.2663G>C on transcript NM_000287.4 (MANE Select); coding-DNA position 2663, G replaced by C.
Protein change: p.Arg888Pro; replaces arginine 888 with proline.
Molecular consequence: missense variant. On other transcripts: non-coding transcript variant (1).
Genome position (GRCh38, 1-based): chr6:42,965,078, C>G on the plus strand (G>C on the coding strand, the complement: PEX6 is on the minus strand). VCF-style: chr6-42965078-C-G. GRCh37 (hg19) VCF-style: chr6-42932816-C-G.
Other names: c.2399G>C, p.Arg800Pro (NM_001316313.2); short protein forms R888P, R800P.
Identifiers: ClinVar variation 931051 (VCV000931051.9), dbSNP rs267608247, ClinGen allele CA138221658.

ClinVar aggregate classification (germline): Conflicting classifications of pathogenicity. Review status: criteria provided, conflicting classifications (1 of 4 stars). 5 submissions from 5 submitters: Likely pathogenic (3); Uncertain significance (2). Last evaluated 2025-11-20.

Conditions:
Heimler syndrome 2 (HMLR2). Also called: PEROXISOME BIOGENESIS DISORDER 4C. Identifiers: Orphanet 3220, MedGen C4225267, OMIM 616617, MONDO:0014709.
Peroxisome biogenesis disorder. Identifiers: Orphanet 79189, MedGen C1832200, MONDO:0019234. Disease mechanism: loss of function.
Peroxisome biogenesis disorder 4A (Zellweger) (PBD4A). Also called: Zellweger syndrome spectrum (PEX6-related). Identifiers: Orphanet 912, MedGen C3553936, MONDO:0013930, OMIM 614862. Disease mechanism: loss of function.
Peroxisome biogenesis disorder 4B (PBD4B). Also called: SPINOCEREBELLAR ATAXIA WITH BLINDNESS AND DEAFNESS 1. Identifiers: Orphanet 44, Orphanet 95433, MedGen C3553937, MONDO:0013931, OMIM 614863.

Submissions (5):

Myriad Genetics, Inc.
Classification: Uncertain significance for Peroxisome biogenesis disorder. Last evaluated: 2025-11-20. Review status: criteria provided, single submitter. Criteria: Myriad Autosomal Dominant, Autosomal Recessive and X-Linked Classification Criteria (2023). Collection method: clinical testing. Allele origin: unknown.
Comment: NM_000287.3(PEX6):c.2663G>C(R888P) is a missense variant classified as a variant of uncertain significance in the context of peroxisome biogenesis disorder type 4. R888P has been observed in cases with relevant disease (PMID: 19877282, 34534157). Relevant functional assessments of this variant are not available in the literature. R888P has not been observed in referenced population frequency databases. In summary, there is insufficient evidence to classify NM_000287.3(PEX6):c.2663G>C(R888P) as pathogenic or benign. Please note: this variant was assessed in the context of healthy population screening.

Fulgent Genetics
Classification: Likely pathogenic for Peroxisome biogenesis disorder 4A (Zellweger); Peroxisome biogenesis disorder 4B; Heimler syndrome 2. Last evaluated: 2024-03-29. Review status: criteria provided, single submitter. Criteria: ACMG Guidelines, 2015. Collection method: clinical testing. Allele origin: germline.

Women's Health and Genetics/Laboratory Corporation of America, LabCorp
Classification: Uncertain significance. Last evaluated: 2024-03-22. Review status: criteria provided, single submitter. Criteria: LabCorp Variant Classification Summary - May 2015. Collection method: clinical testing. Allele origin: germline.
Comment: Variant summary: PEX6 c.2663G>C (p.Arg888Pro) results in a non-conservative amino acid change in the encoded protein sequence. Five of five in-silico tools predict a damaging effect of the variant on protein function. The variant was absent in 251478 control chromosomes. The available data on variant occurrences in the general population are insufficient to allow any conclusion about variant significance. c.2663G>C has been reported in the literature in at-least one individual affected with Zellweger Syndrome (example: Ebberink_2010). These data do not allow any conclusion about variant significance. To our knowledge, no experimental evidence demonstrating an impact on protein function has been reported. The following publication has been ascertained in the context of this evaluation (PMID: 19877282). ClinVar contains an entry for this variant (Variation ID: 931051). Based on the evidence outlined above, the variant was classified as uncertain significance.

Baylor Genetics
Classification: Likely pathogenic for Heimler syndrome 2. Last evaluated: 2022-11-17. Review status: criteria provided, single submitter. Criteria: ACMG Guidelines, 2015. Collection method: clinical testing. Allele origin: unknown.

Centre for Mendelian Genomics, University Medical Centre Ljubljana
Classification: Likely pathogenic for Peroxisome biogenesis disorder 4A (Zellweger). Last evaluated: 2016-01-01. Review status: criteria provided, single submitter. Criteria: ACMG Guidelines, 2015. Collection method: clinical testing. Allele origin: unknown. Affected: yes.
Comment: This variant was classified as: Likely pathogenic. The following ACMG criteria were applied in classifying this variant: PM3,PM2,PP3,PP5.

Literature cited by the submitters: PubMed 19877282 (cited by Myriad Genetics, Inc. and Women's Health and Genetics/Laboratory Corporation of America, LabCorp); PubMed 34534157 (cited by Myriad Genetics, Inc.).